The following is an entry in ClinVar:

NM_152594.3(SPRED1):c.32+307A>C

Gene: SPRED1 (sprouty related EVH1 domain containing 1; plus strand). Cytogenetic location: 15q14.
Variant type: single nucleotide variant.
Coding change: c.32+307A>C on transcript NM_152594.3 (MANE Select); 307 bases into the intron after coding-DNA position 32, A replaced by C.
Molecular consequence: intron variant.
Genome position (GRCh38, 1-based): chr15:38,253,524, A>C. VCF-style: chr15-38253524-A-C. GRCh37 (hg19) VCF-style: chr15-38545725-A-C.
Identifiers: ClinVar variation 561829 (VCV000561829.1), dbSNP rs3938236, ClinGen allele CA14169452.

ClinVar aggregate classification (germline): Benign (1 of 4 stars; one submission).

Allele frequency attached by ClinVar (database versions not stated): 1000 Genomes Project 0.84205; 1000 Genomes Project 30x 0.84385; TOPMed 0.85175; gnomAD 0.86429 and 0.86552.
gnomAD v4.1: 131,468 of 152,054 alleles (86%); highest among the groups gnomAD compares: Non-Finnish European, 90%; 56,961 homozygotes.

Submission:

GeneDx
Classification: Benign. Last evaluated: 2018-06-18. Review status: criteria provided, single submitter. Criteria: GeneDx Variant Classification (06012015). Collection method: clinical testing. Allele origin: germline. Affected: yes.
Comment: This variant is considered likely benign or benign based on one or more of the following criteria: it is a conservative change, it occurs at a poorly conserved position in the protein, it is predicted to be benign by multiple in silico algorithms, and/or has population frequency not consistent with disease.